The following is an entry in ClinVar:

NM_002693.3(POLG):c.556C>G (p.Pro186Ala)

Genes: POLG (DNA polymerase gamma, catalytic subunit; minus strand), POLGARF (POLG alternative reading frame; minus strand). Cytogenetic location: 15q26.1.
Variant type: single nucleotide variant.
Coding change: c.556C>G on transcript NM_002693.3 (MANE Select); coding-DNA position 556, C replaced by G.
Protein change: p.Pro186Ala; replaces proline 186 with alanine.
Molecular consequence: missense variant.
Genome position (GRCh38, 1-based): chr15:89,333,199, G>C on the plus strand (C>G on the coding strand, the complement: POLG is on the minus strand). VCF-style: chr15-89333199-G-C. GRCh37 (hg19) VCF-style: chr15-89876430-G-C.
Other names: c.611C>G, p.Thr204Ser (NM_001430120.1); c.556C>G, p.Pro186Ala (NM_001126131.2); short protein forms P186A, T204S.
Identifiers: ClinVar variation 4746802 (VCV004746802.1).

ClinVar aggregate classification (germline): Uncertain significance (1 of 4 stars; one submission).

Conditions:
Progressive sclerosing poliodystrophy (MTDPS4A). Also called: Mitochondrial DNA depletion syndrome 4A (Alpers type); ALPERS PROGRESSIVE INFANTILE POLIODYSTROPHY; NEURONAL DEGENERATION OF CHILDHOOD WITH LIVER DISEASE, PROGRESSIVE; Alpers Syndrome; ALPERS DIFFUSE DEGENERATION OF CEREBRAL GRAY MATTER WITH HEPATIC CIRRHOSIS; Alpers-Huttenlocher Syndrome. Identifiers: Orphanet 726, MedGen C0205710, MONDO:0008758, OMIM 203700.

Submission:

Labcorp Genetics (formerly Invitae), Labcorp
Classification: Uncertain significance for Progressive sclerosing poliodystrophy. Last evaluated: 2025-06-04. Review status: criteria provided, single submitter. Criteria: Invitae Variant Classification Sherloc (09022015). Collection method: clinical testing. Allele origin: germline.
Comment: This sequence change replaces proline, which is neutral and non-polar, with alanine, which is neutral and non-polar, at codon 186 of the POLG protein (p.Pro186Ala). This variant is not present in population databases (gnomAD no frequency). This variant has not been reported in the literature in individuals affected with POLG-related conditions. Invitae Evidence Modeling of protein sequence and biophysical properties (such as structural, functional, and spatial information, amino acid conservation, physicochemical variation, residue mobility, and thermodynamic stability) indicates that this missense variant is not expected to disrupt POLG protein function with a negative predictive value of 95%. In summary, the available evidence is currently insufficient to determine the role of this variant in disease. Therefore, it has been classified as a Variant of Uncertain Significance.